The following is an entry in ClinVar:

NM_007272.3(CTRC):c.68C>T (p.Pro23Leu)

Gene: CTRC (chymotrypsin C; plus strand). Cytogenetic location: 1p36.21.
Variant type: single nucleotide variant.
Coding change: c.68C>T on transcript NM_007272.3 (MANE Select); coding-DNA position 68, C replaced by T.
Protein change: p.Pro23Leu; replaces proline 23 with leucine.
Molecular consequence: missense variant.
Genome position (GRCh38, 1-based): chr1:15,440,327, C>T. VCF-style: chr1-15440327-C-T. GRCh37 (hg19) VCF-style: chr1-15766823-C-T.
Other names: short protein forms P23L.
Identifiers: ClinVar variation 292906 (VCV000292906.11), dbSNP rs533967597, ClinGen allele CA613207.

ClinVar aggregate classification (germline): Conflicting classifications of pathogenicity. Review status: criteria provided, conflicting classifications (1 of 4 stars). 3 submissions from 3 submitters: Uncertain significance (1); Benign (1); Likely benign (1). Last evaluated 2023-11-17.

Conditions:
Hereditary pancreatitis (PCTT). Also called: Hereditary chronic pancreatitis; PRSS1-Related Hereditary Pancreatitis. Identifiers: Orphanet 676, MedGen C0238339, MONDO:0008185, OMIM 167800.

Allele frequency attached by ClinVar (database versions not stated): gnomAD 0.00001 and 0.00003; gnomAD exomes 0.00002; ExAC 0.00006; 1000 Genomes Project 30x 0.00031; 1000 Genomes Project 0.00040.

Submissions (3):

Labcorp Genetics (formerly Invitae), Labcorp
Classification: Uncertain significance for Hereditary pancreatitis. Last evaluated: 2023-11-17. Review status: criteria provided, single submitter. Criteria: Invitae Variant Classification Sherloc (09022015). Collection method: clinical testing. Allele origin: germline.
Comment: This sequence change replaces proline, which is neutral and non-polar, with leucine, which is neutral and non-polar, at codon 23 of the CTRC protein (p.Pro23Leu). This variant is present in population databases (rs533967597, gnomAD 0.01%). This variant has not been reported in the literature in individuals affected with CTRC-related conditions. ClinVar contains an entry for this variant (Variation ID: 292906). Algorithms developed to predict the effect of missense changes on protein structure and function output the following: SIFT: "Not Available"; PolyPhen-2: "Benign"; Align-GVGD: "Not Available". The leucine amino acid residue is found in multiple mammalian species, which suggests that this missense change does not adversely affect protein function. In summary, the available evidence is currently insufficient to determine the role of this variant in disease. Therefore, it has been classified as a Variant of Uncertain Significance.

Ambry Genetics
Classification: Likely benign for Hereditary pancreatitis. Last evaluated: 2021-11-22. Review status: criteria provided, single submitter. Criteria: Ambry Variant Classification Scheme 2023. Collection method: clinical testing. Allele origin: germline.

Illumina Laboratory Services, Illumina
Classification: Benign for Hereditary pancreatitis. Last evaluated: 2018-01-12. Review status: criteria provided, single submitter. Criteria: ICSL Variant Classification Criteria 13 December 2019. Collection method: clinical testing. Allele origin: germline.
Comment: This variant was observed in the ICSL laboratory as part of a predisposition screen in an ostensibly healthy population. It had not been previously curated by ICSL or reported in the Human Gene Mutation Database (HGMD: prior to June 1st, 2018), and was therefore a candidate for classification through an automated scoring system. Utilizing variant allele frequency, disease prevalence and penetrance estimates, and inheritance mode, an automated score was calculated to assess if this variant is too frequent to cause the disease. Based on the score and internal cut-off values, a variant classified as benign is not then subjected to further curation. The score for this variant resulted in a classification of benign for this disease.